The following is an entry in ClinVar:

ClinVar aggregate classification (germline): Uncertain significance (1 of 4 stars; one submission).

Allele frequency attached by ClinVar (database versions not stated): TOPMed 0.00001.

Submission:

GeneDx
Classification: Uncertain significance. Last evaluated: 2019-09-04. Review status: criteria provided, single submitter. Criteria: GeneDx Variant Classification Process June 2021. Collection method: clinical testing. Allele origin: germline. Affected: yes.
Comment: Not observed in large population cohorts (Lek et al., 2016); In silico analysis, which includes protein predictors and evolutionary conservation, supports a deleterious effect; Has not been previously published as pathogenic or benign to our knowledge

NM_007055.4(POLR3A):c.3864G>A (p.Met1288Ile)

Gene: POLR3A (RNA polymerase III subunit A; minus strand). Cytogenetic location: 10q22.3.
Variant type: single nucleotide variant.
Coding change: c.3864G>A on transcript NM_007055.4 (MANE Select); coding-DNA position 3864, G replaced by A.
Protein change: p.Met1288Ile; replaces methionine 1288 with isoleucine.
Molecular consequence: missense variant.
Genome position (GRCh38, 1-based): chr10:77,981,455, C>T on the plus strand (G>A on the coding strand, the complement: POLR3A is on the minus strand). VCF-style: chr10-77981455-C-T. GRCh37 (hg19) VCF-style: chr10-79741213-C-T.
Other names: short protein forms M1288I.
Identifiers: ClinVar variation 1310127 (VCV001310127.2), dbSNP rs1847140610, ClinGen allele CA377326437.